The following is an entry in ClinVar:

ClinVar aggregate classification (germline): Uncertain significance (1 of 4 stars; one submission).

gnomAD v4.1: 3 of 1,614,054 alleles (0.00019%); highest among the groups gnomAD compares: South Asian, 0.0033%; no homozygotes.

Submission:

GeneDx
Classification: Uncertain significance. Last evaluated: 2024-05-24. Review status: criteria provided, single submitter. Criteria: GeneDx Variant Classification Process June 2021. Collection method: clinical testing. Allele origin: germline. Affected: yes.
Comment: Not observed at significant frequency in large population cohorts (gnomAD); In silico analysis supports that this missense variant has a deleterious effect on protein structure/function; Has not been previously published as pathogenic or benign to our knowledge

NM_194248.3(OTOF):c.710G>C (p.Arg237Pro)

Gene: OTOF (otoferlin; minus strand). Cytogenetic location: 2p23.3.
Variant type: single nucleotide variant.
Coding change: c.710G>C on transcript NM_194248.3 (MANE Select); coding-DNA position 710, G replaced by C.
Protein change: p.Arg237Pro; replaces arginine 237 with proline.
Molecular consequence: missense variant.
Genome position (GRCh38, 1-based): chr2:26,502,300, C>G on the plus strand (G>C on the coding strand, the complement: OTOF is on the minus strand). VCF-style: chr2-26502300-C-G. GRCh37 (hg19) VCF-style: chr2-26725168-C-G.
Other names: c.710G>C, p.Arg237Pro (NM_001287489.2); short protein forms R237P.
Identifiers: ClinVar variation 3381275 (VCV003381275.1).
Genomic context (GRCh38, chr2:26,502,300, plus strand): 5'-AGCCAGGTCCTGCCTGACAGGGTGGGGGCAGCTGGGGTTGCAGGGCTCCCGTCCACTCAC[C>G]GCTTGTTGGAGACATTAGTGGTGAGAGCTGTGACTGAGGCTAGAGACACCGAGTCGGGAT-3'
Protein context (NP_919224.1, residues 227-247): TALTTNVSNK[Arg237Pro]SKPDIKMEPS